The following is an entry in ClinVar:

ClinVar aggregate classification (germline): Uncertain significance. Review status: criteria provided, multiple submitters, no conflicts (2 of 4 stars). 2 submissions from 2 submitters: Uncertain significance (2). Last evaluated 2025-02-08.

Conditions:
Inborn genetic diseases. Identifiers: MedGen C0950123, MeSH D030342.
Mosaic variegated aneuploidy syndrome 2 (MVA2). Identifiers: Orphanet 1052, MedGen C3279843, MONDO:0013582, OMIM 614114.

Allele frequency attached by ClinVar (database versions not stated): gnomAD exomes below 0.00001.
gnomAD v4.1: 5 of 1,613,912 alleles (0.00031%); highest among the groups gnomAD compares: Non-Finnish European, 0.00042%; no homozygotes.

Submissions (2):

Ambry Genetics
Classification: Uncertain significance for Inborn genetic diseases. Last evaluated: 2025-02-08. Review status: criteria provided, single submitter. Criteria: Ambry Variant Classification Scheme 2023. Collection method: clinical testing. Allele origin: germline.
Comment: The p.I69V variant (also known as c.205A>G), located in coding exon 3 of the CEP57 gene, results from an A to G substitution at nucleotide position 205. The isoleucine at codon 69 is replaced by valine, an amino acid with highly similar properties. This amino acid position is conserved. In addition, this alteration is predicted to be tolerated by in silico analysis. Based on the available evidence, the clinical significance of this variant remains unclear.

Labcorp Genetics (formerly Invitae), Labcorp
Classification: Uncertain significance for Mosaic variegated aneuploidy syndrome 2. Last evaluated: 2020-02-19. Review status: criteria provided, single submitter. Criteria: Invitae Variant Classification Sherloc (09022015). Collection method: clinical testing. Allele origin: germline.
Comment: This sequence change replaces isoleucine with valine at codon 69 of the CEP57 protein (p.Ile69Val). The isoleucine residue is highly conserved and there is a small physicochemical difference between isoleucine and valine. This variant is not present in population databases (ExAC no frequency). This variant has not been reported in the literature in individuals with CEP57-related conditions. Algorithms developed to predict the effect of missense changes on protein structure and function are either unavailable or do not agree on the potential impact of this missense change (SIFT: "Deleterious"; PolyPhen-2: "Benign"; Align-GVGD: "Class C25"). In summary, the available evidence is currently insufficient to determine the role of this variant in disease. Therefore, it has been classified as a Variant of Uncertain Significance.

NM_014679.5(CEP57):c.205A>G (p.Ile69Val)

Gene: CEP57 (centrosomal protein 57; plus strand). Cytogenetic location: 11q21.
Variant type: single nucleotide variant.
Coding change: c.205A>G on transcript NM_014679.5 (MANE Select); coding-DNA position 205, A replaced by G.
Protein change: p.Ile69Val; replaces isoleucine 69 with valine.
Molecular consequence: missense variant.
Genome position (GRCh38, 1-based): chr11:95,812,934, A>G. VCF-style: chr11-95812934-A-G. GRCh37 (hg19) VCF-style: chr11-95546098-A-G.
Other names: c.178A>G, p.Ile60Val (NM_001243776.2); c.205A>G, p.Ile69Val (NM_001243777.2); c.124A>G, p.Ile42Val (NM_001363604.2); c.205A>G (NM_014679.4); short protein forms I42V, I60V, I69V.
Identifiers: ClinVar variation 1053863 (VCV001053863.10), dbSNP rs1862131344, ClinGen allele CA382419830.